The following is an entry in ClinVar:

NM_001365999.1(SZT2):c.1379A>T (p.Glu460Val)

Gene: SZT2 (SZT2 subunit of KICSTOR complex; plus strand). Cytogenetic location: 1p34.2.
Variant type: single nucleotide variant.
Coding change: c.1379A>T on transcript NM_001365999.1 (MANE Select); coding-DNA position 1379, A replaced by T.
Protein change: p.Glu460Val; replaces glutamic acid 460 with valine.
Molecular consequence: missense variant.
Genome position (GRCh38, 1-based): chr1:43,420,866, A>T. VCF-style: chr1-43420866-A-T. GRCh37 (hg19) VCF-style: chr1-43886537-A-T.
Other names: c.1379A>T, p.Glu460Val (NM_015284.4); short protein forms E460V.
Identifiers: ClinVar variation 937020 (VCV000937020.8), dbSNP rs781085202, ClinGen allele CA808405.

ClinVar aggregate classification (germline): Uncertain significance. Review status: criteria provided, multiple submitters, no conflicts (2 of 4 stars). 2 submissions from 2 submitters: Uncertain significance (2). Last evaluated 2025-10-29.

Allele frequency attached by ClinVar (database versions not stated): TOPMed 0.00002; ExAC 0.00003; gnomAD 0.00003; gnomAD exomes 0.00003 and 0.00005.
gnomAD v4.1: 74 of 1,598,284 alleles (0.0046%); highest among the groups gnomAD compares: Non-Finnish European, 0.0056%; no homozygotes.

Submissions (2):

Women's Health and Genetics/Laboratory Corporation of America, LabCorp
Classification: Uncertain significance. Last evaluated: 2025-10-29. Review status: criteria provided, single submitter. Criteria: LabCorp Variant Classification Summary - May 2015. Collection method: clinical testing. Allele origin: germline.
Comment: Variant summary: SZT2 c.1379A>T (p.Glu460Val) results in a non-conservative amino acid change in the encoded protein sequence. Algorithms developed to predict the effect of missense changes on protein structure and function are either unavailable or do not agree on the potential impact of this missense change. The variant allele was found at a frequency of 2.6e-05 in 229432 control chromosomes. The available data on variant occurrences in the general population are insufficient to allow any conclusion about variant significance. To our knowledge, no occurrence of c.1379A>T in individuals affected with SZT2-related conditions and no experimental evidence demonstrating its impact on protein function have been reported. ClinVar contains an entry for this variant (Variation ID: 937020). Based on the evidence outlined above, the variant was classified as uncertain significance.

Labcorp Genetics (formerly Invitae), Labcorp
Classification: Uncertain significance. Last evaluated: 2024-02-17. Review status: criteria provided, single submitter. Criteria: Invitae Variant Classification Sherloc (09022015). Collection method: clinical testing. Allele origin: germline.
Comment: This sequence change replaces glutamic acid, which is acidic and polar, with valine, which is neutral and non-polar, at codon 460 of the SZT2 protein (p.Glu460Val). This variant is present in population databases (rs781085202, gnomAD 0.006%). This variant has not been reported in the literature in individuals affected with SZT2-related conditions. ClinVar contains an entry for this variant (Variation ID: 937020). Advanced modeling of protein sequence and biophysical properties (such as structural, functional, and spatial information, amino acid conservation, physicochemical variation, residue mobility, and thermodynamic stability) performed at Invitae indicates that this missense variant is expected to disrupt SZT2 protein function with a positive predictive value of 80%. In summary, the available evidence is currently insufficient to determine the role of this variant in disease. Therefore, it has been classified as a Variant of Uncertain Significance.